The following is an entry in ClinVar:

NM_016507.4(CDK12):c.3643A>G (p.Ser1215Gly)

Gene: CDK12 (cyclin dependent kinase 12; plus strand). Cytogenetic location: 17q12.
Variant type: single nucleotide variant.
Coding change: c.3643A>G on transcript NM_016507.4 (MANE Select); coding-DNA position 3643, A replaced by G.
Protein change: p.Ser1215Gly; replaces serine 1215 with glycine.
Molecular consequence: missense variant.
Genome position (GRCh38, 1-based): chr17:39,526,199, A>G. VCF-style: chr17-39526199-A-G. GRCh37 (hg19) VCF-style: chr17-37682452-A-G.
Other names: c.3643A>G, p.Ser1215Gly (NM_015083.4); short protein forms S1215G.
Identifiers: ClinVar variation 4868448 (VCV004868448.1).

ClinVar aggregate classification (germline): Uncertain significance (1 of 4 stars; one submission).

Submission:

Ambry Genetics
Classification: Uncertain significance. Last evaluated: 2026-03-16. Review status: criteria provided, single submitter. Criteria: Ambry Variant Classification Scheme 2023. Collection method: clinical testing. Allele origin: germline.
Comment: The p.S1215G variant (also known as c.3643A>G), located in coding exon 13 of the CDK12 gene, results from an A to G substitution at nucleotide position 3643. The serine at codon 1215 is replaced by glycine, an amino acid with similar properties. This amino acid position is conserved. In addition, this alteration is predicted to be tolerated by in silico analysis. Based on the available evidence, the clinical significance of this variant remains unclear.